The following is an entry in ClinVar:

ClinVar aggregate classification (germline): Uncertain significance (1 of 4 stars; one submission).

Conditions:
Polyglucosan body myopathy type 1 (PGBM1). Also called: Polyglucosan body myopathy 1 with or without immunodeficiency; POLYGLUCOSAN BODY MYOPATHY WITHOUT IMMUNODEFICIENCY. Identifiers: Orphanet 329173, Orphanet 397937, MedGen C4014605, MONDO:0014389, OMIM 615895.

Submission:

Labcorp Genetics (formerly Invitae), Labcorp
Classification: Uncertain significance for Polyglucosan body myopathy type 1. Last evaluated: 2021-05-18. Review status: criteria provided, single submitter. Criteria: Invitae Variant Classification Sherloc (09022015). Collection method: clinical testing. Allele origin: germline.
Comment: In summary, the available evidence is currently insufficient to determine the role of this variant in disease. Therefore, it has been classified as a Variant of Uncertain Significance. This sequence change replaces tyrosine with cysteine at codon 330 of the RBCK1 protein (p.Tyr330Cys). The tyrosine residue is highly conserved and there is a large physicochemical difference between tyrosine and cysteine. This variant is not present in population databases (ExAC no frequency). This variant has not been reported in the literature in individuals with RBCK1-related conditions. Algorithms developed to predict the effect of missense changes on protein structure and function are either unavailable or do not agree on the potential impact of this missense change (SIFT: "Not Available"; PolyPhen-2: "Probably Damaging"; Align-GVGD: "Not Available").

NM_031229.4(RBCK1):c.989A>G (p.Tyr330Cys)

Gene: RBCK1 (RANBP2-type and C3HC4-type zinc finger containing 1; plus strand). Cytogenetic location: 20p13.
Variant type: single nucleotide variant.
Coding change: c.989A>G on transcript NM_031229.4 (MANE Select); coding-DNA position 989, A replaced by G.
Protein change: p.Tyr330Cys; replaces tyrosine 330 with cysteine.
Molecular consequence: missense variant. On other transcripts: non-coding transcript variant (1).
Genome position (GRCh38, 1-based): chr20:422,198, A>G. VCF-style: chr20-422198-A-G. GRCh37 (hg19) VCF-style: chr20-402842-A-G.
Other names: c.479A>G, p.Tyr160Cys (NM_001323956.2, NM_001323958.2); c.863A>G, p.Tyr288Cys (NM_006462.6); short protein forms Y160C, Y288C, Y330C.
Identifiers: ClinVar variation 1478673 (VCV001478673.6), dbSNP rs2122282171, ClinGen allele CA407930913.
Genomic context (GRCh38, chr20:422,198, plus strand): 5'-AGGGCACCATCCGCAACAGCCAGGAGGCGGAGGTCTCCTGCCCCTTCATTGACAACACCT[A>G]CTCGTGCTCGGGCAAGCTGCTGGAGAGGGAGATCAAGGCGGTAAGGCCTCAGGGTGGGAG-3'
Protein context (NP_112506.2, residues 320-340): EVSCPFIDNT[Tyr330Cys]SCSGKLLERE